The following is an entry in ClinVar:

ClinVar aggregate classification (germline): Uncertain significance. Review status: criteria provided, multiple submitters, no conflicts (2 of 4 stars). 2 submissions from 2 submitters: Uncertain significance (2). Last evaluated 2025-06-23.

Conditions:
Inborn genetic diseases. Identifiers: MedGen C0950123, MeSH D030342.

gnomAD v4.1: 12 of 1,612,004 alleles (0.00074%); highest among the groups gnomAD compares: African/African-American, 0.0027%; no homozygotes.

Submissions (2):

Ambry Genetics
Classification: Uncertain significance for Inborn genetic diseases. Last evaluated: 2025-06-23. Review status: criteria provided, single submitter. Criteria: Ambry Variant Classification Scheme 2023. Collection method: clinical testing. Allele origin: germline.

Labcorp Genetics (formerly Invitae), Labcorp
Classification: Uncertain significance. Last evaluated: 2024-05-21. Review status: criteria provided, single submitter. Criteria: Invitae Variant Classification Sherloc (09022015). Collection method: clinical testing. Allele origin: germline.
Comment: This sequence change replaces glutamic acid, which is acidic and polar, with alanine, which is neutral and non-polar, at codon 322 of the TRPV6 protein (p.Glu322Ala). This variant is present in population databases (rs755771456, gnomAD 0.003%). This variant has not been reported in the literature in individuals affected with TRPV6-related conditions. Experimental studies and prediction algorithms are not available or were not evaluated, and the functional significance of this variant is currently unknown. In summary, the available evidence is currently insufficient to determine the role of this variant in disease. Therefore, it has been classified as a Variant of Uncertain Significance.

NM_018646.6(TRPV6):c.965A>C (p.Glu322Ala)

Gene: TRPV6 (transient receptor potential cation channel subfamily V member 6; minus strand). Cytogenetic location: 7q34.
Variant type: single nucleotide variant.
Coding change: c.965A>C on transcript NM_018646.6 (MANE Select); coding-DNA position 965, A replaced by C.
Protein change: p.Glu322Ala; replaces glutamic acid 322 with alanine.
Molecular consequence: missense variant.
Genome position (GRCh38, 1-based): chr7:142,875,822, T>G on the plus strand (A>C on the coding strand, the complement: TRPV6 is on the minus strand). VCF-style: chr7-142875822-T-G. GRCh37 (hg19) VCF-style: chr7-142573575-T-G.
Other names: c.845A>C (NM_018646.2); short protein forms E322A.
Identifiers: ClinVar variation 3709485 (VCV003709485.3).